The following is an entry in ClinVar:

NM_000038.6(APC):c.431T>C (p.Leu144Pro)

Gene: APC (APC regulator of Wnt signaling pathway; plus strand). Cytogenetic location: 5q22.2.
Variant type: single nucleotide variant.
Coding change: c.431T>C on transcript NM_000038.6 (MANE Select); coding-DNA position 431, T replaced by C.
Protein change: p.Leu144Pro; replaces leucine 144 with proline.
Molecular consequence: missense variant. On other transcripts: 5 prime UTR variant (4), non-coding transcript variant (2).
Genome position (GRCh38, 1-based): chr5:112,775,637, T>C. VCF-style: chr5-112775637-T-C. GRCh37 (hg19) VCF-style: chr5-112111334-T-C.
Other names: c.431T>C, p.Leu144Pro (NM_001407450.1, NM_001407457.1, NM_001407454.1 and 16 more transcripts); c.356T>C, p.Leu119Pro (NM_001407451.1, NM_001354898.2, NM_001354904.2); c.254T>C, p.Leu85Pro (NM_001407453.1, NM_001354900.2, NM_001354901.2 and 1 more transcripts); c.461T>C, p.Leu154Pro (NM_001127511.3, NM_001354897.2, NM_001354902.2 and 1 more transcripts); c.-605T>C (NM_001354906.2, NM_001407470.1, NM_001407471.1 and 1 more transcripts); short protein forms L119P, L85P, L154P, L144P.
Identifiers: ClinVar variation 2567018 (VCV002567018.3), dbSNP rs2149614506, ClinGen allele CA16022266.
Genomic context (GRCh38, chr5:112,775,637, plus strand): 5'-AGTCTTTATTAGCATTGTTTAAACGTACCTTTTTTTAAAAAAAAAAAAATAGGTCATTGC[T>C]TCTTGCTGATCTTGACAAAGAAGAAAAGGAAAAAGACTGGTATTACGCTCAACTTCAGAA-3'
Protein context (NP_000029.2, residues 134-154): LEELEKERSL[Leu144Pro]LADLDKEEKE

ClinVar aggregate classification (germline): Uncertain significance. Review status: criteria provided, multiple submitters, no conflicts (2 of 4 stars). 2 submissions from 2 submitters: Uncertain significance (2). Last evaluated 2023-12-07.

Conditions:
Hereditary cancer-predisposing syndrome. Also called: Hereditary neoplastic syndrome; Hereditary Cancer Syndrome; Neoplastic Syndromes, Hereditary; Tumor predisposition. Identifiers: Orphanet 140162, MedGen C0027672, MeSH D009386, MONDO:0015356.
Familial adenomatous polyposis 1 (FAP1). Also called: POLYPOSIS, ADENOMATOUS INTESTINAL; FAMILIAL ADENOMATOUS POLYPOSIS 1, ATTENUATED. Identifiers: MedGen C2713442, MONDO:0021056, OMIM 175100. Disease mechanism: loss of function.

gnomAD v4.1: 1 of 1,601,388 alleles (0.000062%); no homozygotes.

Submissions (2):

Baylor Genetics
Classification: Uncertain significance for Familial adenomatous polyposis 1. Last evaluated: 2023-12-07. Review status: criteria provided, single submitter. Criteria: ACMG Guidelines, 2015. Collection method: clinical testing. Allele origin: unknown.

Ambry Genetics
Classification: Uncertain significance for Hereditary cancer-predisposing syndrome. Last evaluated: 2023-05-03. Review status: criteria provided, single submitter. Criteria: Ambry Variant Classification Scheme 2023. Collection method: clinical testing. Allele origin: germline.
Comment: The p.L144P variant (also known as c.431T>C), located in coding exon 4 of the APC gene, results from a T to C substitution at nucleotide position 431. The leucine at codon 144 is replaced by proline, an amino acid with similar properties. This amino acid position is conserved. In addition, in silico predictors for this gene do not accurately predict pathogenicity. Since supporting evidence is limited at this time, the clinical significance of this alteration remains unclear.